The following is an entry in ClinVar:

NM_001684.5(ATP2B4):c.2110C>T (p.Arg704Trp)

Gene: ATP2B4 (ATPase plasma membrane Ca2+ transporting 4; plus strand). Cytogenetic location: 1q32.1.
Variant type: single nucleotide variant.
Coding change: c.2110C>T on transcript NM_001684.5 (MANE Select); coding-DNA position 2110, C replaced by T.
Protein change: p.Arg704Trp; replaces arginine 704 with tryptophan.
Molecular consequence: missense variant.
Genome position (GRCh38, 1-based): chr1:203,712,038, C>T. VCF-style: chr1-203712038-C-T. GRCh37 (hg19) VCF-style: chr1-203681166-C-T.
Other names: c.2110C>T, p.Arg704Trp (NM_001001396.3, NM_001365783.2, NM_001365784.2); short protein forms R704W.
Identifiers: ClinVar variation 2850968 (VCV002850968.3), dbSNP rs1437951632, ClinGen allele CA344316086.
Genomic context (GRCh38, chr1:203,712,038, plus strand): 5'-AAATGCAAACAAGCTGGCATTACTGTCAGAATGGTGACAGGTGACAACATCAACACAGCC[C>T]GGGCCATTGCCACCAAATGTGGCATTCTGACACCTGGGGATGACTTCCTGTGCTTAGAAG-3'
Protein context (NP_001675.3, residues 694-714): MVTGDNINTA[Arg704Trp]AIATKCGILT

ClinVar aggregate classification (germline): Uncertain significance (1 of 4 stars; one submission).

Allele frequency attached by ClinVar (database versions not stated): gnomAD 0.00001; TOPMed 0.00002; gnomAD exomes 0.00003.
gnomAD v4.1: 38 of 1,614,062 alleles (0.0024%); highest among the groups gnomAD compares: Non-Finnish European, 0.0031%; no homozygotes.

Submission:

Labcorp Genetics (formerly Invitae), Labcorp
Classification: Uncertain significance. Last evaluated: 2023-04-10. Review status: criteria provided, single submitter. Criteria: Invitae Variant Classification Sherloc (09022015). Collection method: clinical testing. Allele origin: germline.
Comment: This sequence change replaces arginine, which is basic and polar, with tryptophan, which is neutral and slightly polar, at codon 704 of the ATP2B4 protein (p.Arg704Trp). In summary, the available evidence is currently insufficient to determine the role of this variant in disease. Therefore, it has been classified as a Variant of Uncertain Significance. Advanced modeling of protein sequence and biophysical properties (such as structural, functional, and spatial information, amino acid conservation, physicochemical variation, residue mobility, and thermodynamic stability) performed at Invitae indicates that this missense variant is expected to disrupt ATP2B4 protein function. This variant has not been reported in the literature in individuals affected with ATP2B4-related conditions. This variant is present in population databases (no rsID available, gnomAD 0.0009%).